The following is an entry in ClinVar:

ClinVar aggregate classification (germline): Uncertain significance (1 of 4 stars; one submission).

Conditions:
Tall stature-scoliosis-macrodactyly of the great toes syndrome. Also called: Epiphyseal chondrodysplasia, miura type. Identifiers: Orphanet 329191, MedGen C4014690, MONDO:0014401, OMIM 615923.
Acromesomelic dysplasia 1, Maroteaux type (AMD1). Also called: ST. HELENA DYSPLASIA; ACROMESOMELIC DYSPLASIA 1. Identifiers: Orphanet 40, MedGen C1864356, MONDO:0011275, OMIM 602875.

gnomAD v4.1: 1 of 1,614,220 alleles (0.000062%); highest among the groups gnomAD compares: Middle Eastern, 0.016%; no homozygotes.

Submission:

Labcorp Genetics (formerly Invitae), Labcorp
Classification: Uncertain significance for Tall stature-scoliosis-macrodactyly of the great toes syndrome; Acromesomelic dysplasia 1, Maroteaux type. Last evaluated: 2025-12-08. Review status: criteria provided, single submitter. Criteria: Invitae Variant Classification Sherloc (09022015). Collection method: clinical testing. Allele origin: germline.
Comment: This sequence change replaces isoleucine, which is neutral and non-polar, with leucine, which is neutral and non-polar, at codon 786 of the NPR2 protein (p.Ile786Leu). This variant is not present in population databases (gnomAD no frequency). This variant has not been reported in the literature in individuals affected with NPR2-related conditions. Invitae Evidence Modeling of protein sequence and biophysical properties (such as structural, functional, and spatial information, amino acid conservation, physicochemical variation, residue mobility, and thermodynamic stability) indicates that this missense variant is not expected to disrupt NPR2 protein function with a negative predictive value of 80%. In summary, the available evidence is currently insufficient to determine the role of this variant in disease. Therefore, it has been classified as a Variant of Uncertain Significance.

NM_003995.4(NPR2):c.2356A>C (p.Ile786Leu)

Gene: NPR2 (natriuretic peptide receptor 2; plus strand). Cytogenetic location: 9p13.3.
Variant type: single nucleotide variant.
Coding change: c.2356A>C on transcript NM_003995.4 (MANE Select); coding-DNA position 2356, A replaced by C.
Protein change: p.Ile786Leu; replaces isoleucine 786 with leucine.
Molecular consequence: missense variant.
Genome position (GRCh38, 1-based): chr9:35,806,217, A>C. VCF-style: chr9-35806217-A-C. GRCh37 (hg19) VCF-style: chr9-35806214-A-C.
Other names: c.2365A>C, p.Ile789Leu (NM_001378923.1); short protein forms I789L, I786L.
Identifiers: ClinVar variation 4795032 (VCV004795032.1).